The following is an entry in ClinVar:

NM_001035.3(RYR2):c.13877T>C (p.Ile4626Thr)

Gene: RYR2 (ryanodine receptor 2; plus strand). Cytogenetic location: 1q43.
Variant type: single nucleotide variant.
Coding change: c.13877T>C on transcript NM_001035.3 (MANE Select); coding-DNA position 13877, T replaced by C.
Protein change: p.Ile4626Thr; replaces isoleucine 4626 with threonine.
Molecular consequence: missense variant.
Genome position (GRCh38, 1-based): chr1:237,793,961, T>C. VCF-style: chr1-237793961-T-C. GRCh37 (hg19) VCF-style: chr1-237957261-T-C.
Other names: c.13877T>C (NM_001035.2); short protein forms I4626T.
Identifiers: ClinVar variation 3707450 (VCV003707450.4).

ClinVar aggregate classification (germline): Uncertain significance. Review status: criteria provided, multiple submitters, no conflicts (2 of 4 stars). 3 submissions from 3 submitters: Uncertain significance (3). Last evaluated 2026-07-10.

Conditions:
Catecholaminergic polymorphic ventricular tachycardia 1. Also called: VENTRICULAR TACHYCARDIA, STRESS-INDUCED POLYMORPHIC 1; RYR2-Related Catecholaminergic Polymorphic Ventricular Tachycardia; VENTRICULAR TACHYCARDIA, CATECHOLAMINERGIC POLYMORPHIC, 1, WITH OR WITHOUT ATRIAL DYSFUNCTION AND/OR DILATED CARDIOMYOPATHY. Identifiers: Orphanet 3286, MedGen C1631597, MONDO:0011484, OMIM 604772.
Cardiomyopathy (CMYO). Also called: Cardiomyopathies. Identifiers: Orphanet 167848, MedGen C0878544, MONDO:0004994, HP:0001638. Inheritance: Various modes of inheritance.
Cardiovascular phenotype. Identifiers: MedGen CN230736.

Submissions (3):

Ambry Genetics
Classification: Uncertain significance for Cardiovascular phenotype. Last evaluated: 2026-07-10. Review status: criteria provided, single submitter. Criteria: Ambry Variant Classification Scheme 2023. Collection method: clinical testing. Allele origin: germline.
Comment: The p.I4626T variant (also known as c.13877T>C), located in coding exon 95 of the RYR2 gene, results from a T to C substitution at nucleotide position 13877. The isoleucine at codon 4626 is replaced by threonine, an amino acid with similar properties. This amino acid position is conserved. In addition, this alteration is predicted to be deleterious by in silico analysis. Based on the available evidence, the clinical significance of this variant remains unclear.

Color Diagnostics, LLC DBA Color Health
Classification: Uncertain significance for Cardiomyopathy. Last evaluated: 2025-06-23. Review status: criteria provided, single submitter. Criteria: ACMG Guidelines, 2015. Collection method: clinical testing. Allele origin: germline.
Comment: This missense variant replaces isoleucine with threonine at codon 4626 of the RYR2 protein. Computational prediction suggests that this variant may have deleterious impact on protein structure and function. To our knowledge, functional studies have not been reported for this variant. This variant has not been reported in individuals affected with RYR2-related disorders in the literature. This variant has not been identified in the general population by the Genome Aggregation Database (gnomAD). The available evidence is insufficient to determine the role of this variant in disease conclusively. Therefore, this variant is classified as a Variant of Uncertain Significance.

Labcorp Genetics (formerly Invitae), Labcorp
Classification: Uncertain significance for Catecholaminergic polymorphic ventricular tachycardia 1. Last evaluated: 2024-09-24. Review status: criteria provided, single submitter. Criteria: Invitae Variant Classification Sherloc (09022015). Collection method: clinical testing. Allele origin: germline.
Comment: This sequence change replaces isoleucine, which is neutral and non-polar, with threonine, which is neutral and polar, at codon 4626 of the RYR2 protein (p.Ile4626Thr). This variant is not present in population databases (gnomAD no frequency). This variant has not been reported in the literature in individuals affected with RYR2-related conditions. Invitae Evidence Modeling of protein sequence and biophysical properties (such as structural, functional, and spatial information, amino acid conservation, physicochemical variation, residue mobility, and thermodynamic stability) indicates that this missense variant is expected to disrupt RYR2 protein function with a positive predictive value of 95%. In summary, the available evidence is currently insufficient to determine the role of this variant in disease. Therefore, it has been classified as a Variant of Uncertain Significance.